The following is an entry in ClinVar:

NM_000355.4(TCN2):c.353T>C (p.Phe118Ser)

Gene: TCN2 (transcobalamin 2; plus strand). Cytogenetic location: 22q12.2.
Variant type: single nucleotide variant.
Coding change: c.353T>C on transcript NM_000355.4 (MANE Select); coding-DNA position 353, T replaced by C.
Protein change: p.Phe118Ser; replaces phenylalanine 118 with serine.
Molecular consequence: missense variant. On other transcripts: intron variant (1).
Genome position (GRCh38, 1-based): chr22:30,612,968, T>C. VCF-style: chr22-30612968-T-C. GRCh37 (hg19) VCF-style: chr22-31008955-T-C.
Other names: c.346+7T>C (NM_001184726.2); short protein forms F118S.
Identifiers: ClinVar variation 341192 (VCV000341192.10), dbSNP rs199728304, ClinGen allele CA10184594.

ClinVar aggregate classification (germline): Uncertain significance. Review status: criteria provided, multiple submitters, no conflicts (2 of 4 stars). 3 submissions from 3 submitters: Uncertain significance (3). Last evaluated 2022-08-05.

Conditions:
Transcobalamin II deficiency (TCN2D). Also called: TC II DEFICIENCY; TCN2 DEFICIENCY; Transcolabamin II deficiency. Identifiers: Orphanet 859, MedGen C0342701, MONDO:0010149, OMIM 275350.

Allele frequency attached by ClinVar (database versions not stated): ExAC 0.00006; gnomAD 0.00007 and 0.00008; ESP Exome Variant Server 0.00008; TOPMed 0.00010.
gnomAD v4.1: 48 of 1,614,058 alleles (0.003%); highest among the groups gnomAD compares: Admixed American, 0.012%; no homozygotes.

Submissions (3):

Labcorp Genetics (formerly Invitae), Labcorp
Classification: Uncertain significance for Transcobalamin II deficiency. Last evaluated: 2022-08-05. Review status: criteria provided, single submitter. Criteria: Invitae Variant Classification Sherloc (09022015). Collection method: clinical testing. Allele origin: germline.
Comment: This sequence change replaces phenylalanine, which is neutral and non-polar, with serine, which is neutral and polar, at codon 118 of the TCN2 protein (p.Phe118Ser). This variant is present in population databases (rs199728304, gnomAD 0.1%). This variant has not been reported in the literature in individuals affected with TCN2-related conditions. ClinVar contains an entry for this variant (Variation ID: 341192). Algorithms developed to predict the effect of missense changes on protein structure and function (SIFT, PolyPhen-2, Align-GVGD) all suggest that this variant is likely to be tolerated. In summary, the available evidence is currently insufficient to determine the role of this variant in disease. Therefore, it has been classified as a Variant of Uncertain Significance.

Illumina Laboratory Services, Illumina
Classification: Uncertain significance for Transcobalamin II deficiency. Last evaluated: 2018-01-13. Review status: criteria provided, single submitter. Criteria: ICSL Variant Classification Criteria 13 December 2019. Collection method: clinical testing. Allele origin: germline.

Breakthrough Genomics
Classification: Uncertain significance. Review status: criteria provided, single submitter. Criteria: ACMG Guidelines, 2015. Collection method: not provided. Allele origin: germline. Inheritance: Autosomal dominant inheritance. Affected: yes.